The following is an entry in ClinVar:

ClinVar aggregate classification (germline): Pathogenic (1 of 4 stars; one submission).

Submission:

Labcorp Genetics (formerly Invitae), Labcorp
Classification: Pathogenic. Last evaluated: 2022-07-03. Review status: criteria provided, single submitter. Criteria: Invitae Variant Classification Sherloc (09022015). Collection method: clinical testing. Allele origin: germline.
Comment: This variant is a gross deletion of the genomic region encompassing exon(s) 2-3 of the SLC12A3 gene. This deletion is out-of-frame, and is expected to create a premature termination codon and result in an absent or disrupted protein product. Loss-of-function variants in SLC12A3 are known to be pathogenic (PMID: 20848653, 22009145, 25841442). A similar copy number variant has been observed in individual(s) with Gitelman syndrome (PMID: 21415153). For these reasons, this variant has been classified as Pathogenic.

Literature cited by the submitters: PubMed 20848653; PubMed 22009145; PubMed 25841442; PubMed 21415153.

NC_000016.9:g.(?_56900972)_(56902294_?)del

Gene: SLC12A3 (solute carrier family 12 member 3; plus strand). Cytogenetic location: 16q13.
Variant type: Deletion.
Identifiers: ClinVar variation 1457450 (VCV001457450.6).